The following is an entry in ClinVar:

NM_001128205.2(SULF1):c.1039C>T (p.Pro347Ser)

Gene: SULF1 (sulfatase 1; plus strand). Cytogenetic location: 8q13.3.
Variant type: single nucleotide variant.
Coding change: c.1039C>T on transcript NM_001128205.2 (MANE Select); coding-DNA position 1039, C replaced by T.
Protein change: p.Pro347Ser; replaces proline 347 with serine.
Molecular consequence: missense variant. On other transcripts: non-coding transcript variant (3).
Genome position (GRCh38, 1-based): chr8:69,601,807, C>T. VCF-style: chr8-69601807-C-T. GRCh37 (hg19) VCF-style: chr8-70514042-C-T.
Other names: c.1039C>T (NM_001128205.1); c.1039C>T, p.Pro347Ser (NM_001128204.2, NM_001128206.2, NM_015170.3); short protein forms P347S.
Identifiers: ClinVar variation 1368565 (VCV001368565.7), dbSNP rs750865660, ClinGen allele CA4775738.

ClinVar aggregate classification (germline): Uncertain significance. Review status: criteria provided, multiple submitters, no conflicts (2 of 4 stars). 2 submissions from 2 submitters: Uncertain significance (2). Last evaluated 2025-10-07.

Allele frequency attached by ClinVar (database versions not stated): TOPMed below 0.00001; ExAC 0.00002; gnomAD exomes 0.00002.
gnomAD v4.1: 21 of 1,611,088 alleles (0.0013%); highest among the groups gnomAD compares: Non-Finnish European, 0.0017%; no homozygotes.

Submissions (2):

Labcorp Genetics (formerly Invitae), Labcorp
Classification: Uncertain significance. Last evaluated: 2025-10-07. Review status: criteria provided, single submitter. Criteria: Invitae Variant Classification Sherloc (09022015). Collection method: clinical testing. Allele origin: germline.
Comment: This sequence change replaces proline, which is neutral and non-polar, with serine, which is neutral and polar, at codon 347 of the SULF1 protein (p.Pro347Ser). This variant is present in population databases (rs750865660, gnomAD 0.003%). This variant has not been reported in the literature in individuals affected with SULF1-related conditions. ClinVar contains an entry for this variant (Variation ID: 1368565). An algorithm developed to predict the effect of missense changes on protein structure and function (PolyPhen-2) suggests that this variant is likely to be disruptive. In summary, the available evidence is currently insufficient to determine the role of this variant in disease. Therefore, it has been classified as a Variant of Uncertain Significance.

Ambry Genetics
Classification: Uncertain significance. Last evaluated: 2025-09-22. Review status: criteria provided, single submitter. Criteria: Ambry Variant Classification Scheme 2023. Collection method: clinical testing. Allele origin: germline.